The following is an entry in ClinVar:

ClinVar aggregate classification (germline): Uncertain significance. Review status: criteria provided, multiple submitters, no conflicts (2 of 4 stars). 3 submissions from 3 submitters: Uncertain significance (3). Last evaluated 2025-03-21.

Conditions:
Familial thoracic aortic aneurysm and aortic dissection (TAAD). Also called: Thoracic aortic aneurysms and dissections. Identifiers: Orphanet 91387, MedGen C4707243, MONDO:0019625.

Allele frequency attached by ClinVar (database versions not stated): gnomAD exomes below 0.00001; ExAC 0.00001; gnomAD 0.00004; TOPMed 0.00004; ESP Exome Variant Server 0.00008.
gnomAD v4.1: 7 of 1,613,864 alleles (0.00043%); highest among the groups gnomAD compares: African/African-American, 0.0094%; no homozygotes.

Submissions (3):

Ambry Genetics
Classification: Uncertain significance for Familial thoracic aortic aneurysm and aortic dissection. Last evaluated: 2025-03-21. Review status: criteria provided, single submitter. Criteria: Ambry Variant Classification Scheme 2023. Collection method: clinical testing. Allele origin: germline.
Comment: The p.P318S variant (also known as c.952C>T), located in coding exon 8 of the MYH11 gene, results from a C to T substitution at nucleotide position 952. The proline at codon 318 is replaced by serine, an amino acid with similar properties. This amino acid position is conserved. In addition, the in silico prediction for this alteration is inconclusive. Since supporting evidence is limited at this time, the clinical significance of this alteration remains unclear.

Color Diagnostics, LLC DBA Color Health
Classification: Uncertain significance for Familial thoracic aortic aneurysm and aortic dissection. Last evaluated: 2024-11-04. Review status: criteria provided, single submitter. Criteria: ACMG Guidelines, 2015. Collection method: clinical testing. Allele origin: germline.
Comment: This missense variant replaces proline with serine at codon 325 of the MYH11 protein. Computational prediction tool is inconclusive regarding the impact of this variant on protein structure and function.To our knowledge, functional studies have not been reported for this variant. This variant has not been reported in individuals affected with MYH11-related disorders in the literature. This variant has been identified in 4/282750 chromosomes in the general population by the Genome Aggregation Database (gnomAD). The available evidence is insufficient to determine the role of this variant in disease conclusively. Therefore, this variant is classified as a Variant of Uncertain Significance.

All of Us Research Program, National Institutes of Health
Classification: Uncertain significance for Familial thoracic aortic aneurysm and aortic dissection. Last evaluated: 2024-05-09. Review status: criteria provided, single submitter. Criteria: ACMG Guidelines, 2015. Collection method: clinical testing. Allele origin: germline. Inheritance: Autosomal dominant inheritance. Observed: 2 variant alleles, 2 heterozygotes.
Comment: This study involves interpretation of variants in research participants for the purpose of population health screening. Participant phenotype was not available at the time of variant classification. Additional details can be found in publication PMID: 35346344, PMCID: PMC8962531

NM_002474.3(MYH11):c.952C>T (p.Pro318Ser)

Gene: MYH11 (myosin heavy chain 11; minus strand). Cytogenetic location: 16p13.11.
Variant type: single nucleotide variant.
Coding change: c.952C>T on transcript NM_002474.3 (MANE Select); coding-DNA position 952, C replaced by T.
Protein change: p.Pro318Ser; replaces proline 318 with serine.
Molecular consequence: missense variant.
Genome position (GRCh38, 1-based): chr16:15,771,650, G>A on the plus strand (C>T on the coding strand, the complement: MYH11 is on the minus strand). VCF-style: chr16-15771650-G-A. GRCh37 (hg19) VCF-style: chr16-15865507-G-A.
Other names: c.973C>T, p.Pro325Ser (NM_001040113.2, NM_001040114.2); c.952C>T, p.Pro318Ser (NM_022844.3); short protein forms P325S, P318S.
Identifiers: ClinVar variation 1767277 (VCV001767277.6), dbSNP rs372237923, ClinGen allele CA7922767.